The following is an entry in ClinVar:

NM_002294.3(LAMP2):c.64G>T (p.Gly22Ter)

Gene: LAMP2 (lysosome associated membrane protein 2; minus strand). Cytogenetic location: Xq24.
Variant type: single nucleotide variant.
Coding change: c.64G>T on transcript NM_002294.3 (MANE Select); coding-DNA position 64, G replaced by T.
Protein change: p.Gly22Ter; replaces glycine 22 with a stop codon.
Molecular consequence: nonsense.
Genome position (GRCh38, 1-based): chrX:120,469,106, C>A on the plus strand (G>T on the coding strand, the complement: LAMP2 is on the minus strand). VCF-style: chrX-120469106-C-A. GRCh37 (hg19) VCF-style: chrX-119602961-C-A.
Other names: c.64G>T, p.Gly22Ter (NM_001122606.1, NM_013995.2); short protein forms G22*.
Identifiers: ClinVar variation 1323186 (VCV001323186.9), dbSNP rs2147294800, ClinGen allele CA414397805.
Genomic context (GRCh38, chrX:120,469,106, plus strand): 5'-CTTTGAACTGGTGCCCCGGGCCCAGGCGGACAGACTAATCGGGAGGGCCCGACAACTCAC[C>A]CAGGACTAGGCAGACCAGAACGAGCCCTGAGCCCGGAACCGGGAAGAGGCGGAAGCACAC-3'

ClinVar aggregate classification (germline): Pathogenic (1 of 4 stars; one submission).

Conditions:
Danon disease. Also called: Glycogen Storage Disease Type IIb; PSEUDOGLYCOGENOSIS II; ANTOPOL DISEASE; GSD IIb; LYSOSOMAL GLYCOGEN STORAGE DISEASE WITHOUT ACID MALTASE DEFICIENCY. Identifiers: Orphanet 34587, MedGen C0878677, MONDO:0010281, OMIM 300257.

Submission:

Labcorp Genetics (formerly Invitae), Labcorp
Classification: Pathogenic for Danon disease. Last evaluated: 2023-06-17. Review status: criteria provided, single submitter. Criteria: Invitae Variant Classification Sherloc (09022015). Collection method: clinical testing. Allele origin: germline.
Comment: This sequence change creates a premature translational stop signal (p.Gly22*) in the LAMP2 gene. It is expected to result in an absent or disrupted protein product. Loss-of-function variants in LAMP2 are known to be pathogenic (PMID: 21415759). This variant is not present in population databases (gnomAD no frequency). This premature translational stop signal has been observed in individual(s) with clinical features of Danon disease (PMID: 27460667). ClinVar contains an entry for this variant (Variation ID: 1323186). For these reasons, this variant has been classified as Pathogenic.

Literature cited by the submitters: PubMed 21415759; PubMed 27460667.